The following is an entry in ClinVar:

ClinVar aggregate classification (germline): Likely benign. Review status: criteria provided, multiple submitters, no conflicts (2 of 4 stars). 3 submissions from 3 submitters: Likely benign (3). Last evaluated 2026-05-06.

Conditions:
PRPF3-related disorder. Also called: PRPF3-related condition.

Allele frequency attached by ClinVar (database versions not stated): TOPMed below 0.00001; ExAC 0.00001; gnomAD exomes 0.00001; gnomAD 0.00003; 1000 Genomes Project 30x 0.00016; 1000 Genomes Project 0.00020.

Submissions (3):

PreventionGenetics, part of Exact Sciences
Classification: Likely benign for PRPF3-related condition. Last evaluated: 2026-05-06. Review status: criteria provided, single submitter. Criteria: ACMG Guidelines, 2015. Collection method: clinical testing. Allele origin: germline.
Comment: This variant is classified as likely benign based on ACMG/AMP sequence variant interpretation guidelines (Richards et al. 2015 PMID: 25741868, with internal and published modifications).

Labcorp Genetics (formerly Invitae), Labcorp
Classification: Likely benign. Last evaluated: 2022-11-06. Review status: criteria provided, single submitter. Criteria: Invitae Variant Classification Sherloc (09022015). Collection method: clinical testing. Allele origin: germline.

Blueprint Genetics
Classification: Likely benign. Last evaluated: 2021-11-05. Review status: criteria provided, single submitter. Criteria: ACMG Guidelines, 2015. Collection method: clinical testing. Allele origin: germline.

NM_004698.4(PRPF3):c.1701G>A (p.Leu567=)

Gene: PRPF3 (pre-mRNA processing factor 3; plus strand). Cytogenetic location: 1q21.2.
Variant type: single nucleotide variant.
Coding change: c.1701G>A on transcript NM_004698.4 (MANE Select); coding-DNA position 1701, G replaced by A.
Protein change: p.Leu567=; no amino-acid change (leucine 567 retained).
Molecular consequence: synonymous variant. On other transcripts: non-coding transcript variant (4).
Genome position (GRCh38, 1-based): chr1:150,346,078, G>A. VCF-style: chr1-150346078-G-A. GRCh37 (hg19) VCF-style: chr1-150318554-G-A.
Other names: c.1701G>A (NM_004698.2); c.1296G>A, p.Leu432= (NM_001350529.1).
Identifiers: ClinVar variation 2889278 (VCV002889278.5), dbSNP rs587605792, ClinGen allele CA1075682.